The following is an entry in ClinVar:

NM_144999.4(LRRC45):c.1258A>G (p.Arg420Gly)

Gene: LRRC45 (leucine rich repeat containing 45; plus strand). Cytogenetic location: 17q25.3.
Variant type: single nucleotide variant.
Coding change: c.1258A>G on transcript NM_144999.4 (MANE Select); coding-DNA position 1258, A replaced by G.
Protein change: p.Arg420Gly; replaces arginine 420 with glycine.
Molecular consequence: missense variant.
Genome position (GRCh38, 1-based): chr17:82,028,633, A>G. VCF-style: chr17-82028633-A-G. GRCh37 (hg19) VCF-style: chr17-79986509-A-G.
Other names: short protein forms R420G.
Identifiers: ClinVar variation 4998553 (VCV004998553.1).

ClinVar aggregate classification (germline): Uncertain significance (1 of 4 stars; one submission).

Conditions:
LRRC45-related disorder. Also called: LRRC45-related condition.

Submission:

PreventionGenetics, part of Exact Sciences
Classification: Uncertain significance for LRRC45-related condition. Last evaluated: 2025-01-24. Review status: criteria provided, single submitter. Criteria: ACMG Guidelines, 2015. Collection method: clinical testing. Allele origin: germline.
Comment: The LRRC45 c.1258A>G variant is predicted to result in the amino acid substitution p.Arg420Gly. To our knowledge, this variant has not been reported in the literature or in a large population database (gnomAD), indicating this variant is rare. At this time, the clinical significance of this variant is uncertain due to the absence of conclusive functional and genetic evidence.